The following is an entry in ClinVar:

ClinVar aggregate classification (germline): Uncertain significance. Review status: criteria provided, multiple submitters, no conflicts (2 of 4 stars). 2 submissions from 2 submitters: Uncertain significance (2). Last evaluated 2026-01-14.

Conditions:
Leigh syndrome (NULS). Also called: Leigh's syndrome; Leigh Syndrome (mtDNA deletion); Leigh Disease; Subacute necrotizing encephalopathy; Necrotizing encephalopathy infantile subacute of Leigh; LEIGH SYNDROME, NUCLEAR. Identifiers: Orphanet 506, MedGen C2931891, MONDO:0009723, OMIM 256000.

Allele frequency attached by ClinVar (database versions not stated): gnomAD exomes below 0.00001 and 0.00001; TOPMed below 0.00001; ExAC 0.00001.
gnomAD v4.1: 4 of 1,576,884 alleles (0.00025%); highest among the groups gnomAD compares: Non-Finnish European, 0.00026%; no homozygotes.

Submissions (2):

Women's Health and Genetics/Laboratory Corporation of America, LabCorp
Classification: Uncertain significance. Last evaluated: 2026-01-14. Review status: criteria provided, single submitter. Criteria: LabCorp Variant Classification Summary - May 2015. Collection method: clinical testing. Allele origin: germline.
Comment: Variant summary: LRPPRC c.1921-7A>G alters a nucleotide located at a position not widely known to affect splicing. Several computational tools predict a significant impact on normal splicing: One predict the variant abolishes a 3' acceptor site. One predict the variant abolishes a 3' acceptor site. One predict the variant no significant impact on splicing. However, these predictions have yet to be confirmed by functional studies. The variant allele was found at a frequency of 8e-06 in 250246 control chromosomes. The available data on variant occurrences in the general population are insufficient to allow any conclusion about variant significance. c.1921-7A>G has been observed in an individual affected with Leigh Syndrome, French-Canadian Type (Piro_2020). These data do not allow any conclusion about variant significance. To our knowledge, no experimental evidence demonstrating an impact on protein function has been reported. The following publication have been ascertained in the context of this evaluation (PMID: 32972427). ClinVar contains an entry for this variant (Variation ID: 989332). Based on the evidence outlined above, the variant was classified as uncertain significance.

Illumina Laboratory Services, Illumina
Classification: Uncertain significance for Leigh syndrome. Last evaluated: 2019-07-18. Review status: criteria provided, single submitter. Criteria: ICSLVariantClassificationCriteria RUGD 01 April 2020. Collection method: clinical testing. Allele origin: unknown.
Comment: The LRPPRC c.1921-7A>G variant is a splice region variant. A literature search was performed for the gene and cDNA change. No publications were found based on this search. This variant is reported at a frequency of 0.000008 in the Total population of the Genome Aggregation Database, though this is based on only two alleles in a region of good sequence coverage so the variant is presumed to be rare. Based on the limited evidence, the c.1921-7A>G variant is classified as a variant of uncertain significance for Leigh syndrome.

Literature cited by the submitters: PubMed 32972427 (cited by Women's Health and Genetics/Laboratory Corporation of America, LabCorp).

NM_133259.4(LRPPRC):c.1921-7A>G

Gene: LRPPRC (leucine rich pentatricopeptide repeat containing; minus strand). Cytogenetic location: 2p21.
Variant type: single nucleotide variant.
Coding change: c.1921-7A>G on transcript NM_133259.4 (MANE Select); 7 bases into the intron before coding-DNA position 1921, A replaced by G.
Molecular consequence: intron variant.
Genome position (GRCh38, 1-based): chr2:43,947,782, T>C on the plus strand (A>G on the coding strand, the complement: LRPPRC is on the minus strand). VCF-style: chr2-43947782-T-C. GRCh37 (hg19) VCF-style: chr2-44174921-T-C.
Identifiers: ClinVar variation 989332 (VCV000989332.5), dbSNP rs779696239, ClinGen allele CA1638664.